The following is an entry in ClinVar:

ClinVar aggregate classification (germline): Benign/Likely benign. Review status: criteria provided, multiple submitters, no conflicts (2 of 4 stars). 2 submissions from 2 submitters: Benign (1); Likely benign (1). Last evaluated 2025-01-16.

Conditions:
Hereditary cancer-predisposing syndrome. Also called: Tumor predisposition; Neoplastic Syndromes, Hereditary; Hereditary Cancer Syndrome; Hereditary neoplastic syndrome. Identifiers: Orphanet 140162, MedGen C0027672, MeSH D009386, MONDO:0015356.
Lynch syndrome 5 (LYNCH5). Also called: Hereditary non-polyposis colorectal cancer, type 5; Colorectal cancer, hereditary nonpolyposis, type 5. Identifiers: Orphanet 144, MedGen C1833477, MONDO:0013710, OMIM 614350. Disease mechanism: loss of function.

gnomAD v4.1: 2 of 1,614,104 alleles (0.00012%); highest among the groups gnomAD compares: Non-Finnish European, 0.000085%; no homozygotes.

Submissions (2):

Ambry Genetics
Classification: Likely benign for Hereditary cancer-predisposing syndrome. Last evaluated: 2025-01-16. Review status: criteria provided, single submitter. Criteria: Ambry Variant Classification Scheme 2023. Collection method: clinical testing. Allele origin: germline.

Myriad Genetics, Inc.
Classification: Benign for Lynch syndrome 5. Last evaluated: 2025-01-06. Review status: criteria provided, single submitter. Criteria: Myriad Autosomal Dominant, Autosomal Recessive and X-Linked Classification Criteria (2023). Collection method: clinical testing. Allele origin: unknown.
Comment: This variant is considered benign. This variant is a silent/synonymous amino acid change and it is not expected to impact splicing.

NM_000179.3(MSH6):c.3318T>C (p.Asp1106=)

Gene: MSH6 (mutS homolog 6; plus strand). Cytogenetic location: 2p16.3.
Variant type: single nucleotide variant.
Coding change: c.3318T>C on transcript NM_000179.3 (MANE Select); coding-DNA position 3318, T replaced by C.
Protein change: p.Asp1106=; no amino-acid change (aspartic acid 1106 retained).
Molecular consequence: synonymous variant. On other transcripts: non-coding transcript variant (5), intron variant (1).
Genome position (GRCh38, 1-based): chr2:47,803,565, T>C. VCF-style: chr2-47803565-T-C. GRCh37 (hg19) VCF-style: chr2-48030704-T-C.
Other names: c.2928T>C, p.Asp976= (NM_001281492.2); c.2412T>C, p.Asp804= (NM_001281493.2, NM_001281494.2, NM_001406811.1 and 6 more transcripts); c.3414T>C, p.Asp1138= (NM_001406795.1, NM_001406802.1); c.3318T>C, p.Asp1106= (NM_001406796.1, NM_001406800.1, NM_001406808.1 and 1 more transcripts); c.3021T>C, p.Asp1007= (NM_001406797.1, NM_001406801.1, NM_001406805.1 and 10 more transcripts); c.2793T>C, p.Asp931= (NM_001406799.1, NM_001406806.1, NM_001406807.1); c.2454T>C, p.Asp818= (NM_001406803.1); c.3240T>C, p.Asp1080= (NM_001406804.1); and 7 more.
Identifiers: ClinVar variation 3875062 (VCV003875062.2).